The following is an entry in ClinVar:

ClinVar aggregate classification (germline): Uncertain significance. Review status: criteria provided, multiple submitters, no conflicts (2 of 4 stars). 2 submissions from 2 submitters: Uncertain significance (2). Last evaluated 2025-12-28.

Conditions:
Inborn genetic diseases. Identifiers: MedGen C0950123, MeSH D030342.

Submissions (2):

Ambry Genetics
Classification: Uncertain significance for Inborn genetic diseases. Last evaluated: 2025-12-28. Review status: criteria provided, single submitter. Criteria: Ambry Variant Classification Scheme 2023. Collection method: clinical testing. Allele origin: germline.
Comment: The p.D217N variant (also known as c.649G>A), located in coding exon 6 of the USB1 gene, results from a G to A substitution at nucleotide position 649. The aspartic acid at codon 217 is replaced by asparagine, an amino acid with highly similar properties. This amino acid position is conserved. In addition, this alteration is predicted to be tolerated by in silico analysis. Based on the available evidence, the clinical significance of this variant remains unclear.

Labcorp Genetics (formerly Invitae), Labcorp
Classification: Uncertain significance. Last evaluated: 2025-05-13. Review status: criteria provided, single submitter. Criteria: Invitae Variant Classification Sherloc (09022015). Collection method: clinical testing. Allele origin: germline.
Comment: This sequence change replaces aspartic acid, which is acidic and polar, with asparagine, which is neutral and polar, at codon 217 of the USB1 protein (p.Asp217Asn). This variant is not present in population databases (gnomAD no frequency). This variant has not been reported in the literature in individuals affected with USB1-related conditions. Invitae Evidence Modeling of protein sequence and biophysical properties (such as structural, functional, and spatial information, amino acid conservation, physicochemical variation, residue mobility, and thermodynamic stability) indicates that this missense variant is not expected to disrupt USB1 protein function with a negative predictive value of 80%. In summary, the available evidence is currently insufficient to determine the role of this variant in disease. Therefore, it has been classified as a Variant of Uncertain Significance.

NM_024598.4(USB1):c.649G>A (p.Asp217Asn)

Gene: USB1 (U6 snRNA biogenesis phosphodiesterase 1; plus strand). Cytogenetic location: 16q21.
Variant type: single nucleotide variant.
Coding change: c.649G>A on transcript NM_024598.4 (MANE Select); coding-DNA position 649, G replaced by A.
Protein change: p.Asp217Asn; replaces aspartic acid 217 with asparagine.
Molecular consequence: missense variant.
Genome position (GRCh38, 1-based): chr16:58,019,011, G>A. VCF-style: chr16-58019011-G-A. GRCh37 (hg19) VCF-style: chr16-58052915-G-A.
Other names: c.595G>A, p.Asp199Asn (NM_001195302.2); c.496G>A, p.Asp166Asn (NM_001330568.2); short protein forms D166N, D217N, D199N.
Identifiers: ClinVar variation 4749413 (VCV004749413.2).